The following is an entry in ClinVar:

NM_000059.4(BRCA2):c.9074_9075del (p.Ile3025fs)

Gene: BRCA2 (BRCA2 DNA repair associated; plus strand). Cytogenetic location: 13q13.1.
Variant type: Deletion.
Coding change: c.9074_9075del on transcript NM_000059.4 (MANE Select); coding-DNA positions 9074 to 9075, 2 bases deleted (TA; older notation c.9074_9075delTA).
Protein change: p.Ile3025fs; shifts the reading frame from isoleucine 3025.
Molecular consequence: frameshift variant.
Genome position (GRCh38, 1-based): chr13:32,379,870-32,379,871, TA deleted; deleting any 2 consecutive bases within chr13:32,379,869-32,379,871 gives the same sequence; the c. name uses the placement nearest the transcript's 3' end. VCF-style (leftmost placement, unchanged base first): chr13-32379868-CAT-C. GRCh37 (hg19) VCF-style: chr13-32954005-CAT-C.
Other names: 9302delTA; c.9074_9075delTA (NM_000059.3).
Identifiers: ClinVar variation 52741 (VCV000052741.8), dbSNP rs397508034, ClinGen allele CA025960.

ClinVar aggregate classification (germline): Pathogenic. Review status: reviewed by expert panel (3 of 4 stars). 3 submissions from 3 submitters: Pathogenic (1). 2 of the submissions do not count toward it. Last evaluated 2016-10-18.

Conditions:
Hereditary breast ovarian cancer syndrome. Also called: Hereditary breast and ovarian cancer syndrome; Hereditary breast and ovarian cancer; Hereditary breast and ovarian cancer syndrome (HBOC); Breast and ovarian cancer; Hereditary breast and/or ovarian cancer syndrome; BRCA1- and BRCA2-Associated Hereditary Breast and Ovarian Cancer. Identifiers: Orphanet 145, MedGen C0677776, MeSH D061325, MONDO:0003582. Disease mechanism: loss of function.
Breast-ovarian cancer, familial, susceptibility to, 2 (BROVCA2). Also called: BRCA2 Hereditary Breast and Ovarian Cancer. Identifiers: Orphanet 145, MedGen C2675520, MONDO:0012933, OMIM 612555. Disease mechanism: loss of function.

Submissions (3):

Evidence-based Network for the Interpretation of Germline Mutant Alleles (ENIGMA)
Classification: Pathogenic for Breast-ovarian cancer, familial, susceptibility to, 2. Last evaluated: 2016-10-18. Review status: reviewed by expert panel. Criteria: ENIGMA BRCA1/2 Classification Criteria (2015). Collection method: curation. Allele origin: germline.
Comment: Variant allele predicted to encode a truncated non-functional protein.

Laboratory for Molecular Medicine, Mass General Brigham Personalized Medicine
Classification: Likely pathogenic for Hereditary breast ovarian cancer syndrome. Last evaluated: 2019-10-14. Review status: criteria provided, single submitter. Criteria: ACMG Guidelines, 2015. Collection method: clinical testing. Allele origin: germline. Not counted in ClinVar's aggregate classification.
Comment: The p.Ile3025ThrfsX18 variant in BRCA2 has been reported in 1 family with breast and/or ovarian cancer (Marroni 2004). It was absent from large population studies. This variant has also been reported in ClinVar (Variation ID: 52741). This variant is predicted to cause a frameshift, which alters the protein’s amino acid sequence beginning at position 3025 and leads to a premature termination codon 18 amino acids downstream. This alteration is then predicted to lead to a truncated or absent protein. Loss of function of the BRCA2 gene is an established disease mechanism in autosomal dominant hereditary breast and ovarian cancer syndrome (HBOC). In summary, although additional studies are required to fully establish its clinical significance, this variant meets criteria to be classified as likely pathogenic for autosomal dominant HBOC. ACMG/AMP Criteria applied: PVS1, PM2.

Consortium of Investigators of Modifiers of BRCA1/2 (CIMBA), c/o University of Cambridge
Classification: Pathogenic for Breast-ovarian cancer, familial, susceptibility to, 2. Last evaluated: 2015-10-02. Review status: criteria provided, single submitter. Criteria: CIMBA Mutation Classification guidelines May 2016. Collection method: clinical testing. Allele origin: germline. Not counted in ClinVar's aggregate classification.

Literature cited by the submitters: PubMed 15340362 (cited by Laboratory for Molecular Medicine, Mass General Brigham Personalized Medicine).